The following is an entry in ClinVar:

NM_006907.4(PYCR1):c.176C>T (p.Thr59Met)

Gene: PYCR1 (pyrroline-5-carboxylate reductase 1; minus strand). Cytogenetic location: 17q25.3.
Variant type: single nucleotide variant.
Coding change: c.176C>T on transcript NM_006907.4 (MANE Select); coding-DNA position 176, C replaced by T.
Protein change: p.Thr59Met; replaces threonine 59 with methionine.
Molecular consequence: missense variant.
Genome position (GRCh38, 1-based): chr17:81,935,479, G>A on the plus strand (C>T on the coding strand, the complement: PYCR1 is on the minus strand). VCF-style: chr17-81935479-G-A. GRCh37 (hg19) VCF-style: chr17-79893355-G-A.
Other names: c.176C>T, p.Thr59Met (NM_001282279.2, NM_001282280.2, NM_001330523.2 and 1 more transcripts); c.257C>T, p.Thr86Met (NM_001282281.2); c.176C>T (NM_006907.3); short protein forms T59M, T86M.
Identifiers: ClinVar variation 325913 (VCV000325913.15), dbSNP rs150227130, ClinGen allele CA8845537.

ClinVar aggregate classification (germline): Conflicting classifications of pathogenicity. Review status: criteria provided, conflicting classifications (1 of 4 stars). 4 submissions from 4 submitters: Uncertain significance (1); Likely benign (3). Last evaluated 2026-02-01.

Conditions:
Cutis laxa. Identifiers: Orphanet 209, MedGen C0010495, MONDO:0016175, HP:0000973.
PYCR1-related disorder. Also called: PYCR1-related condition.

Allele frequency attached by ClinVar (database versions not stated): TOPMed 0.00015; 1000 Genomes Project 30x 0.00016; gnomAD 0.00017; gnomAD exomes 0.00017 and 0.00034; 1000 Genomes Project 0.00020; ExAC 0.00027; ESP Exome Variant Server 0.00031.

Submissions (4):

Labcorp Genetics (formerly Invitae), Labcorp
Classification: Likely benign. Last evaluated: 2026-02-01. Review status: criteria provided, single submitter. Criteria: Invitae Variant Classification Sherloc (09022015). Collection method: clinical testing. Allele origin: germline.

PreventionGenetics, part of Exact Sciences
Classification: Likely benign for PYCR1-related condition. Last evaluated: 2024-11-27. Review status: criteria provided, single submitter. Criteria: ACMG Guidelines, 2015. Collection method: clinical testing. Allele origin: germline.
Comment: This variant is classified as likely benign based on ACMG/AMP sequence variant interpretation guidelines (Richards et al. 2015 PMID: 25741868, with internal and published modifications).

GeneDx
Classification: Likely benign. Last evaluated: 2020-07-20. Review status: criteria provided, single submitter. Criteria: GeneDx Variant Classification Process June 2021. Collection method: clinical testing. Allele origin: germline. Affected: yes.

Illumina Laboratory Services, Illumina
Classification: Uncertain significance for Cutis laxa. Last evaluated: 2018-01-13. Review status: criteria provided, single submitter. Criteria: ICSL Variant Classification Criteria 13 December 2019. Collection method: clinical testing. Allele origin: germline.